The following is an entry in ClinVar:

NM_000260.4(MYO7A):c.4117C>T (p.Arg1373Ter)

Gene: MYO7A (myosin VIIA; plus strand). Cytogenetic location: 11q13.5.
Variant type: single nucleotide variant.
Coding change: c.4117C>T on transcript NM_000260.4 (MANE Select); coding-DNA position 4117, C replaced by T.
Protein change: p.Arg1373Ter; replaces arginine 1373 with a stop codon.
Molecular consequence: nonsense.
Genome position (GRCh38, 1-based): chr11:77,192,243, C>T. VCF-style: chr11-77192243-C-T. GRCh37 (hg19) VCF-style: chr11-76903288-C-T.
Other names: c.4117C>T, p.Arg1373Ter (NM_001127180.2); c.4084C>T, p.Arg1362Ter (NM_001369365.1); short protein forms R1373*, R1362*.
Identifiers: ClinVar variation 551138 (VCV000551138.52), dbSNP rs766641715, ClinGen allele CA6198319.

ClinVar aggregate classification (germline): Pathogenic. Review status: criteria provided, multiple submitters, no conflicts (2 of 4 stars). 12 submissions from 12 submitters: Pathogenic (11). 1 of the submissions does not count toward it. Last evaluated 2025-05-06.

Conditions:
Usher syndrome. Also called: Usher Syndromes; Usher's syndrome. Identifiers: Orphanet 886, MedGen CN469326, MeSH D052245, MONDO:0019501. Disease mechanism: loss of function.
Usher syndrome type 1 (USH1). Also called: RETINITIS PIGMENTOSA AND CONGENITAL DEAFNESS. Identifiers: Orphanet 231169, Orphanet 886, MedGen C1568247, MONDO:0010168, OMIM 276900.
Autosomal recessive nonsyndromic hearing loss 2. Also called: DEAFNESS, AUTOSOMAL RECESSIVE 2; NEUROSENSORY NONSYNDROMIC RECESSIVE DEAFNESS 2. Identifiers: Orphanet 90636, MedGen C1838701, MONDO:0010807, OMIM 600060.
Autosomal dominant nonsyndromic hearing loss 11. Identifiers: Orphanet 90635, MedGen C1832475, MONDO:0011032, OMIM 601317.
Usher syndrome type 1B (USH1B). Also called: Usher syndrome type IB. Identifiers: MedGen C1848638, MONDO:0700087.

Allele frequency attached by ClinVar (database versions not stated): gnomAD 0.00001; gnomAD exomes 0.00001; ExAC 0.00003; TOPMed 0.00005.
gnomAD v4.1: 9 of 1,613,896 alleles (0.00056%); highest among the groups gnomAD compares: Admixed American, 0.0067%; no homozygotes.

Submissions (12):

Myriad Genetics, Inc.
Classification: Pathogenic for Usher syndrome type 1. Last evaluated: 2025-05-06. Review status: criteria provided, single submitter. Criteria: Myriad Autosomal Dominant, Autosomal Recessive and X-Linked Classification Criteria (2023). Collection method: clinical testing. Allele origin: unknown.
Comment: NM_000260.3(MYO7A):c.4117C>T(R1373*) is a nonsense variant classified as pathogenic in the context of MYO7A-related disorders. R1373* has been observed in cases with relevant disease (PMID: 21436283, 16470552). Relevant functional assessments of this variant are not available in the literature. R1373* has been observed in referenced population frequency databases. In summary, NM_000260.3(MYO7A):c.4117C>T(R1373*) is a nonsense variant in a gene where loss of function is a known mechanism of disease, is predicted to disrupt protein function, and has been observed more frequently in cases with the relevant disease than in healthy populations. Please note: this variant was assessed in the context of healthy population screening.

Labcorp Genetics (formerly Invitae), Labcorp
Classification: Pathogenic. Last evaluated: 2025-04-14. Review status: criteria provided, single submitter. Criteria: Invitae Variant Classification Sherloc (09022015). Collection method: clinical testing. Allele origin: germline.
Comment: This sequence change creates a premature translational stop signal (p.Arg1373*) in the MYO7A gene. It is expected to result in an absent or disrupted protein product. Loss-of-function variants in MYO7A are known to be pathogenic (PMID: 8900236, 25404053). This variant is present in population databases (rs766641715, gnomAD 0.009%). This premature translational stop signal has been observed in individual(s) with Usher syndrome (PMID: 16470552, 21436283). ClinVar contains an entry for this variant (Variation ID: 551138). For these reasons, this variant has been classified as Pathogenic.

3billion
Classification: Pathogenic for Usher syndrome type 1. Last evaluated: 2024-10-11. Review status: criteria provided, single submitter. Criteria: ACMG Guidelines, 2015. Collection method: clinical testing. Allele origin: germline. Affected: yes.
Comment: The variant is observed at an extremely low frequency in the gnomAD v4.1.0 dataset (total allele frequency: <0.001%). Predicted Consequence/Location: Stop-gained (nonsense): predicted to result in a loss or disruption of normal protein function through nonsense-mediated decay (NMD) or protein truncation. Multiple pathogenic variants are reported downstream of the variant. The variant has been reported at least twice as pathogenic with clinical assertions and evidence for the classification (ClinVar ID: VCV000551138 /PMID: 16470552 /3billion dataset). Therefore, this variant is classified as Pathogenic according to the recommendation of ACMG/AMP guideline.

Natera, Inc.
Classification: Pathogenic for Usher syndrome type 1B. Last evaluated: 2024-09-10. Review status: criteria provided, single submitter. Criteria: Natera Variant Classification Schema (03/2026). Collection method: clinical testing. Allele origin: germline.
Comment: The c.4117C>T variant in MYO7A is a nonsense variant predicted to introduce a stop codon at amino acid 1373. This variant is expected to result in nonsense mediated decay, truncation, or a dysfunctional protein product. This variant is rare in the general population with a frequency below the threshold expected for the associated phenotype(s). This variant has been observed in one or more individuals affected with the associated recessive disease, as either homozygous or compound heterozygous with a second variant (PMID: 34148116). Given the available evidence, this variant is classified as Pathogenic.

SN ONGC Dept of Genetics and Molecular biology Vision Research Foundation
Classification: Pathogenic for Usher syndrome. Last evaluated: 2022-12-31. Review status: criteria provided, single submitter. Criteria: ACMG Guidelines, 2015. Collection method: research. Allele origin: unknown. Affected: yes. Observed: 1 variant allele, 1 compound heterozygote.

GeneDx
Classification: Pathogenic. Last evaluated: 2022-07-18. Review status: criteria provided, single submitter. Criteria: GeneDx Variant Classification Process June 2021. Collection method: clinical testing. Allele origin: germline. Affected: yes.
Comment: Nonsense variant predicted to result in protein truncation or nonsense mediated decay in a gene for which loss-of-function is a known mechanism of disease; Published functional studies demonstrate defects in electrophysiology, morphology, and pluripotency in p.(R1373*) cell lines that were resolved to levels close to controls by genetic correction of p.(R1373*) (Tang et al., 2016); This variant is associated with the following publications: (PMID: 21436283, 31589614, 33576163, 27013738, 16470552)

Revvity Omics, Revvity
Classification: Pathogenic. Last evaluated: 2021-03-16. Review status: criteria provided, single submitter. Criteria: ACMG Guidelines, 2015. Collection method: clinical testing. Allele origin: germline.

Institute of Medical Genetics and Applied Genomics, University Hospital Tübingen
Classification: Pathogenic. Last evaluated: 2020-10-23. Review status: criteria provided, single submitter. Criteria: ACMG Guidelines, 2015. Collection method: clinical testing. Allele origin: germline. Inheritance: Autosomal unknown. Affected: yes.

Fulgent Genetics
Classification: Pathogenic for Usher syndrome type 1; Autosomal recessive nonsyndromic hearing loss 2; Autosomal dominant nonsyndromic hearing loss 11. Last evaluated: 2018-10-31. Review status: criteria provided, single submitter. Criteria: ACMG Guidelines, 2015. Collection method: clinical testing. Allele origin: unknown.

Juno Genomics, Hangzhou Juno Genomics, Inc
Classification: Pathogenic for Usher syndrome type 1. Review status: criteria provided, single submitter. Criteria: ACMG Guidelines, 2015. Collection method: clinical testing. Allele origin: germline. Affected: yes.
Comment: Absent from controls (or at extremely low frequency if recessive) in Genome Aggregation Database, Exome Sequencing Project, 1000 Genomes Project, or Exome Aggregation Consortium.;Null variant in a gene where loss of function (LOF) is a known mechanism of disease.;For recessive disorders, detected in trans with a pathogenic variant.;Patient's phenotype or family history is highly specific for a disease with a single genetic etiology.

Neuberg Centre For Genomic Medicine, NCGM
Classification: Pathogenic for Usher syndrome type 1. Review status: criteria provided, single submitter. Criteria: ACMG Guidelines, 2015. Collection method: clinical testing. Allele origin: germline. Inheritance: Autosomal recessive inheritance. Affected: yes.
Comment: The observed stop gained c.4117C>T(p.Arg1373Ter) variant in MYO7A gene has been reported previously in compound heterozygous state in multiple individuals affected with Usher syndrome (Roux AF, et al., 2011; Jaijo T, et al., 2006; HURPADE, S., et al.). The c.4117C>T variant has been reported with allele frequency of 0.001% in gnomAD Exomes. This variant has been reported to the ClinVar database as Pathogenic (multiple submissions). Computational evidence (MutationTaster - Disease causing) predicts damaging effect on protein structure and function for this variant. The nucleotide change c.4117C>T in MYO7A is predicted as conserved by GERP++ and PhyloP across 100 vertebrates. This sequence change creates a premature translational stop signal (p.Arg1373Ter) in the MYO7A gene. This variant is predicted to cause loss of normal protein function through protein truncation. Loss of function variants in MYO7A gene have been previously reported to be disease causing (Weston MD, et al., 1996). For these reasons, this variant has been classified as Pathogenic.

Counsyl
Classification: Pathogenic for Usher syndrome type 1; Autosomal recessive nonsyndromic hearing loss 2. Last evaluated: 2017-03-16. Review status: no assertion criteria provided. Collection method: clinical testing. Allele origin: unknown. Not counted in ClinVar's aggregate classification.

Literature cited by the submitters: PubMed 16470552 (cited by 4 submitters); PubMed 21436283 (cited by 3 submitters); PubMed 8900236 (cited by Labcorp Genetics (formerly Invitae), Labcorp); PubMed 25404053 (cited by Labcorp Genetics (formerly Invitae), Labcorp); PubMed 34148116 (cited by Natera, Inc.).